The following is an entry in ClinVar:

NM_000245.4(MET):c.632T>G (p.Leu211Trp)

Gene: MET (MET proto-oncogene, receptor tyrosine kinase; plus strand). Cytogenetic location: 7q31.2.
Variant type: single nucleotide variant.
Coding change: c.632T>G on transcript NM_000245.4 (MANE Select); coding-DNA position 632, T replaced by G.
Protein change: p.Leu211Trp; replaces leucine 211 with tryptophan.
Molecular consequence: missense variant. On other transcripts: intron variant (1).
Genome position (GRCh38, 1-based): chr7:116,699,716, T>G. VCF-style: chr7-116699716-T-G. GRCh37 (hg19) VCF-style: chr7-116339770-T-G.
Other names: c.632T>G, p.Leu211Trp (NM_001127500.3, NM_001324401.3); c.-91+27139T>G (NM_001324402.2); c.632T>G (NM_001127500.2); short protein forms L211W.
Identifiers: ClinVar variation 216513 (VCV000216513.28), dbSNP rs45483396, ClinGen allele CA337368.
Genomic context (GRCh38, chr7:116,699,716, plus strand): 5'-GGTTCATCAACTTCTTTGTAGGCAATACCATAAATTCTTCTTATTTCCCAGATCATCCAT[T>G]GCATTCGATATCAGTGAGAAGGCTAAAGGAAACGAAAGATGGTTTTATGTTTTTGACGGA-3'
Protein context (NP_000236.2, residues 201-221): INSSYFPDHP[Leu211Trp]HSISVRRLKE

ClinVar aggregate classification (germline): Conflicting classifications of pathogenicity. Review status: criteria provided, conflicting classifications (1 of 4 stars). 8 submissions from 8 submitters: Uncertain significance (1); Likely benign (7). Last evaluated 2026-02-03.

Conditions:
Renal cell carcinoma. Identifiers: Orphanet 217071, MedGen C0007134, MeSH D002292, MONDO:0005086, HP:0005584.
Osteofibrous dysplasia (OSFD). Also called: Tibia, bowing of, with pseudarthrosis and pectus excavatum. Identifiers: Orphanet 488265, MedGen C4085248, MONDO:0011806, OMIM 607278.
Autosomal recessive nonsyndromic hearing loss 97. Also called: Deafness, autosomal recessive 97. Identifiers: Orphanet 90636, MedGen C4084709, MONDO:0014739, OMIM 616705.
Arthrogryposis, distal, IIa 11. Also called: Arthrogryposis, distal, type 11. Identifiers: MedGen C5774205, MONDO:0031045, OMIM 620019.
Papillary renal cell carcinoma type 1 (RCCP1). Also called: Renal adenocarcinoma; Renal cell carcinoma 1; Renal cell carcinoma, somatic; RENAL CELL CARCINOMA, PAPILLARY, 1, SOMATIC. Identifiers: Orphanet 47044, MedGen C1336839, OMIM 605074, HP:0011797.
Hepatocellular carcinoma (HCC). Also called: Primary carcinoma of liver; HEPATOMA; LIVER CELL CARCINOMA. Identifiers: Orphanet 88673, MedGen C2239176, MONDO:0007256, OMIM 114550, HP:0001402.
MET-related disorder. Also called: MET-related condition.
Hereditary cancer-predisposing syndrome. Also called: Neoplastic Syndromes, Hereditary; Tumor predisposition; Hereditary Cancer Syndrome; Hereditary neoplastic syndrome. Identifiers: Orphanet 140162, MedGen C0027672, MeSH D009386, MONDO:0015356.

Allele frequency attached by ClinVar (database versions not stated): gnomAD 0.00005 and 0.00009; gnomAD exomes 0.00009 and 0.00025; TOPMed 0.00011; 1000 Genomes Project 30x 0.00031; ExAC 0.00032; 1000 Genomes Project 0.00040.
gnomAD v4.1: 141 of 1,614,102 alleles (0.0087%); highest among the groups gnomAD compares: East Asian, 0.25%; 2 homozygotes.

Submissions (8):

Labcorp Genetics (formerly Invitae), Labcorp
Classification: Likely benign for Renal cell carcinoma. Last evaluated: 2026-02-03. Review status: criteria provided, single submitter. Criteria: Invitae Variant Classification Sherloc (09022015). Collection method: clinical testing. Allele origin: germline.

Center for Genomic Medicine, Rigshospitalet, Copenhagen University Hospital
Classification: Uncertain significance. Last evaluated: 2025-12-29. Review status: criteria provided, single submitter. Criteria: ACMG Guidelines, 2015. Collection method: clinical testing. Allele origin: germline.

PreventionGenetics, part of Exact Sciences
Classification: Likely benign for MET-related condition. Last evaluated: 2025-09-12. Review status: criteria provided, single submitter. Criteria: ACMG Guidelines, 2015. Collection method: clinical testing. Allele origin: germline.
Comment: This variant is classified as likely benign based on ACMG/AMP sequence variant interpretation guidelines (Richards et al. 2015 PMID: 25741868, with internal and published modifications).

Women's Health and Genetics/Laboratory Corporation of America, LabCorp
Classification: Likely benign. Last evaluated: 2025-06-26. Review status: criteria provided, single submitter. Criteria: LabCorp Variant Classification Summary - May 2015. Collection method: clinical testing. Allele origin: germline.

Department of Pathology and Laboratory Medicine, Sinai Health System
Classification: Likely benign for Hepatocellular carcinoma; Papillary renal cell carcinoma type 1; Osteofibrous dysplasia; Autosomal recessive nonsyndromic hearing loss 97; Arthrogryposis, distal, IIa 11. Last evaluated: 2023-06-06. Review status: criteria provided, single submitter. Criteria: ACMG Guidelines, 2015. Collection method: clinical testing. Allele origin: germline. Affected: yes.

Ambry Genetics
Classification: Likely benign for Hereditary cancer-predisposing syndrome. Last evaluated: 2021-06-30. Review status: criteria provided, single submitter. Criteria: Ambry Variant Classification Scheme 2023. Collection method: clinical testing. Allele origin: germline.

GeneDx
Classification: Likely benign. Last evaluated: 2020-03-28. Review status: criteria provided, single submitter. Criteria: GeneDx Variant Classification Process June 2021. Collection method: clinical testing. Allele origin: germline. Affected: yes.
Comment: This variant is associated with the following publications: (PMID: 20126411, 19723643)

Illumina Laboratory Services, Illumina
Classification: Likely benign for Papillary renal cell carcinoma type 1. Last evaluated: 2017-04-28. Review status: criteria provided, single submitter. Criteria: ICSL Variant Classification Criteria 13 December 2019. Collection method: clinical testing. Allele origin: germline.
Comment: This variant was observed as part of a predisposition screen in an ostensibly healthy population. A literature search was performed for the gene, cDNA change, and amino acid change (where applicable). No publications were found based on this search. Allele frequency data from public databases allowed determination this variant is unlikely to cause disease. Therefore, this variant is classified as likely benign.

Literature cited by the submitters: PubMed 19723643 (cited by Ambry Genetics); PubMed 20126411 (cited by Ambry Genetics); PubMed 26173098 (cited by Ambry Genetics).